The following is an entry in ClinVar:

ClinVar aggregate classification (germline): Likely pathogenic (1 of 4 stars; one submission).

Allele frequency attached by ClinVar (database versions not stated): gnomAD exomes below 0.00001.
gnomAD v4.1: 2 of 1,614,040 alleles (0.00012%); highest among the groups gnomAD compares: Non-Finnish European, 0.00017%; no homozygotes.

Submission:

GeneDx
Classification: Likely pathogenic. Last evaluated: 2017-10-03. Review status: criteria provided, single submitter. Criteria: GeneDx Variant Classification (06012015). Collection method: clinical testing. Allele origin: germline. Affected: yes.
Comment: The c.1621+2T>C variant in the MPO gene has not been reported previously as a pathogenic variant nor as a benign variant, to our knowledge. This splice site variant destroys the canonical splice donor site in intron 9. It is predicted to cause abnormal gene splicing, either leading to an abnormal message that is subject to nonsense-mediated mRNA decay, or to an abnormal protein product if the message is used for protein translation. The c.1621+2T>C variant is not observed in large population cohorts (Lek et al., 2016). We interpret c.1621+2T>C as a likely pathogenic variant.

NM_000250.2(MPO):c.1621+2T>C

Genes: MPO (myeloperoxidase; minus strand), LOC106694316 (enhancer region in introns 7-9 of MPO; plus strand). Cytogenetic location: 17q22.
Variant type: single nucleotide variant.
Coding change: c.1621+2T>C on transcript NM_000250.2 (MANE Select); the canonical splice donor site of the intron after coding-DNA position 1621, T replaced by C.
Molecular consequence: splice donor variant.
Genome position (GRCh38, 1-based): chr17:58,273,412, A>G on the plus strand (T>C on the coding strand, the complement: MPO is on the minus strand). VCF-style: chr17-58273412-A-G. GRCh37 (hg19) VCF-style: chr17-56350773-A-G.
Identifiers: ClinVar variation 452406 (VCV000452406.2), dbSNP rs1555607599, ClinGen allele CA400369584.